The following is an entry in ClinVar:

ClinVar aggregate classification (germline): Uncertain significance (1 of 4 stars; one submission).

Conditions:
Inborn genetic diseases. Identifiers: MedGen C0950123, MeSH D030342.

gnomAD v4.1: 1 of 1,613,480 alleles (0.000062%); highest among the groups gnomAD compares: Non-Finnish European, 0.000085%; no homozygotes.

Submission:

Ambry Genetics
Classification: Uncertain significance for Inborn genetic diseases. Last evaluated: 2026-05-19. Review status: criteria provided, single submitter. Criteria: Ambry Variant Classification Scheme 2023. Collection method: clinical testing. Allele origin: germline.
Comment: The p.D1078N variant (also known as c.3232G>A), located in coding exon 15 of the MECOM gene, results from a G to A substitution at nucleotide position 3232. The aspartic acid at codon 1078 is replaced by asparagine, an amino acid with highly similar properties. This amino acid position is conserved. In addition, this alteration is predicted to be tolerated by in silico analysis. Based on the available evidence, the clinical significance of this variant remains unclear.

NM_004991.4(MECOM):c.3232G>A (p.Asp1078Asn)

Gene: MECOM (MDS1 and EVI1 complex locus; minus strand). Cytogenetic location: 3q26.2.
Variant type: single nucleotide variant.
Coding change: c.3232G>A on transcript NM_004991.4 (MANE Select); coding-DNA position 3232, G replaced by A.
Protein change: p.Asp1078Asn; replaces aspartic acid 1078 with asparagine.
Molecular consequence: missense variant.
Genome position (GRCh38, 1-based): chr3:169,090,169, C>T on the plus strand (G>A on the coding strand, the complement: MECOM is on the minus strand). VCF-style: chr3-169090169-C-T. GRCh37 (hg19) VCF-style: chr3-168807957-C-T.
Other names: c.2863G>A, p.Asp955Asn (NM_001105077.4); c.2668G>A, p.Asp890Asn (NM_001105078.4, NM_001205194.2, NM_001366469.2 and 1 more transcripts); c.2644G>A, p.Asp882Asn (NM_001163999.2, NM_001366470.2); c.2641G>A, p.Asp881Asn (NM_001164000.2, NM_001366471.2, NM_001366472.2); c.3205G>A, p.Asp1069Asn (NM_001366466.2); c.2671G>A, p.Asp891Asn (NM_001366467.2, NM_001366468.2); c.2233G>A, p.Asp745Asn (NM_001366473.2); c.1669G>A, p.Asp557Asn (NM_001366474.2); short protein forms D1069N, D1078N, D557N, D745N, D881N, D882N, D890N, D891N.
Identifiers: ClinVar variation 4859789 (VCV004859789.1).